The following is an entry in ClinVar:

ClinVar aggregate classification (germline): Uncertain significance. Review status: criteria provided, multiple submitters, no conflicts (2 of 4 stars). 4 submissions from 4 submitters: Uncertain significance (4). Last evaluated 2024-06-18.

Conditions:
Inborn genetic diseases. Identifiers: MedGen C0950123, MeSH D030342.
Fraser syndrome 1 (FRASRS1). Also called: CRYPTOPHTHALMOS WITH OTHER MALFORMATIONS. Identifiers: Orphanet 2052, MedGen C4551480, MONDO:0054737, OMIM 219000.

Allele frequency attached by ClinVar (database versions not stated): gnomAD exomes 0.00002 and 0.00006; ExAC 0.00006; gnomAD 0.00017 and 0.00018; TOPMed 0.00018; ESP Exome Variant Server 0.00023.
gnomAD v4.1: 56 of 1,613,516 alleles (0.0035%); highest among the groups gnomAD compares: African/African-American, 0.044%; no homozygotes.

Submissions (4):

Fulgent Genetics
Classification: Uncertain significance for Fraser syndrome 1. Last evaluated: 2024-06-18. Review status: criteria provided, single submitter. Criteria: ACMG Guidelines, 2015. Collection method: clinical testing. Allele origin: germline.

Ambry Genetics
Classification: Uncertain significance for Inborn genetic diseases. Last evaluated: 2023-09-14. Review status: criteria provided, single submitter. Criteria: Ambry Variant Classification Scheme 2023. Collection method: clinical testing. Allele origin: germline.

GeneDx
Classification: Uncertain significance. Last evaluated: 2023-06-15. Review status: criteria provided, single submitter. Criteria: GeneDx Variant Classification Process June 2021. Collection method: clinical testing. Allele origin: germline. Affected: yes.
Comment: In silico analysis supports that this missense variant has a deleterious effect on protein structure/function; Has not been previously published as pathogenic or benign to our knowledge

Labcorp Genetics (formerly Invitae), Labcorp
Classification: Uncertain significance. Last evaluated: 2022-07-22. Review status: criteria provided, single submitter. Criteria: Invitae Variant Classification Sherloc (09022015). Collection method: clinical testing. Allele origin: germline.
Comment: This sequence change replaces glycine, which is neutral and non-polar, with arginine, which is basic and polar, at codon 493 of the FRAS1 protein (p.Gly493Arg). This variant is present in population databases (rs376808560, gnomAD 0.05%). This variant has not been reported in the literature in individuals affected with FRAS1-related conditions. ClinVar contains an entry for this variant (Variation ID: 1350003). Algorithms developed to predict the effect of missense changes on protein structure and function output the following: SIFT: "Deleterious"; PolyPhen-2: "Benign"; Align-GVGD: "Class C15". The arginine amino acid residue is found in multiple mammalian species, which suggests that this missense change does not adversely affect protein function. Algorithms developed to predict the effect of sequence changes on RNA splicing suggest that this variant may create or strengthen a splice site. In summary, the available evidence is currently insufficient to determine the role of this variant in disease. Therefore, it has been classified as a Variant of Uncertain Significance.

NM_025074.7(FRAS1):c.1477G>A (p.Gly493Arg)

Gene: FRAS1 (Fraser extracellular matrix complex subunit 1; plus strand). Cytogenetic location: 4q21.21.
Variant type: single nucleotide variant.
Coding change: c.1477G>A on transcript NM_025074.7 (MANE Select); coding-DNA position 1477, G replaced by A.
Protein change: p.Gly493Arg; replaces glycine 493 with arginine.
Molecular consequence: missense variant.
Genome position (GRCh38, 1-based): chr4:78,286,482, G>A. VCF-style: chr4-78286482-G-A. GRCh37 (hg19) VCF-style: chr4-79207636-G-A.
Other names: c.1477G>A (NM_025074.6); c.1477G>A, p.Gly493Arg (NM_001166133.2); short protein forms G493R.
Identifiers: ClinVar variation 1350003 (VCV001350003.8), dbSNP rs376808560, ClinGen allele CA2976311.